The following is an entry in ClinVar:

NM_004304.5(ALK):c.2513del (p.Leu838fs)

Gene: ALK (ALK receptor tyrosine kinase; minus strand). Cytogenetic location: 2p23.2.
Variant type: Deletion.
Coding change: c.2513del on transcript NM_004304.5 (MANE Select); coding-DNA position 2513, one base deleted (T; older notation c.2513delT).
Protein change: p.Leu838fs; shifts the reading frame from leucine 838.
Molecular consequence: frameshift variant.
Genome position (GRCh38, 1-based): chr2:29,232,423, A deleted on the plus strand (T on the coding strand, the reverse complement: ALK is on the minus strand). VCF-style (leftmost placement, unchanged base first): chr2-29232422-CA-C. GRCh37 (hg19) VCF-style: chr2-29455288-CA-C.
Other names: c.2513del (NM_004304.4); short protein forms L838fs.
Identifiers: ClinVar variation 649841 (VCV000649841.9), dbSNP rs1573139642, ClinGen allele CA915943772.

ClinVar aggregate classification (germline): Conflicting classifications of pathogenicity. Review status: criteria provided, conflicting classifications (1 of 4 stars). 2 submissions from 2 submitters: Uncertain significance (1); Likely benign (1). Last evaluated 2025-12-04.

Conditions:
Hereditary cancer-predisposing syndrome. Also called: Hereditary Cancer Syndrome; Tumor predisposition; Neoplastic Syndromes, Hereditary; Hereditary neoplastic syndrome. Identifiers: Orphanet 140162, MedGen C0027672, MeSH D009386, MONDO:0015356.
Neuroblastoma, susceptibility to, 3. Also called: ALK-Related Neuroblastic Tumor Susceptibility. Identifiers: Orphanet 635, MedGen C2751681, MONDO:0013083, OMIM 613014.

Allele frequency attached by ClinVar (database versions not stated): gnomAD exomes below 0.00001.

Submissions (2):

Ambry Genetics
Classification: Likely benign for Hereditary cancer-predisposing syndrome. Last evaluated: 2025-12-04. Review status: criteria provided, single submitter. Criteria: Ambry Variant Classification Scheme 2023. Collection method: clinical testing. Allele origin: germline.

Labcorp Genetics (formerly Invitae), Labcorp
Classification: Uncertain significance for Neuroblastoma, susceptibility to, 3. Last evaluated: 2025-09-30. Review status: criteria provided, single submitter. Criteria: Invitae Variant Classification Sherloc (09022015). Collection method: clinical testing. Allele origin: germline.
Comment: This sequence change creates a premature translational stop signal (p.Leu838Argfs*31) in the ALK gene. It is expected to result in an absent or disrupted protein product. However, the current clinical and genetic evidence is not sufficient to establish whether loss-of-function variants in ALK cause disease. This variant is not present in population databases (gnomAD no frequency). This variant has not been reported in the literature in individuals affected with ALK-related conditions. ClinVar contains an entry for this variant (Variation ID: 649841). In summary, the available evidence is currently insufficient to determine the role of this variant in disease. Therefore, it has been classified as a Variant of Uncertain Significance.